The following is an entry in ClinVar:

ClinVar aggregate classification (germline): Uncertain significance (1 of 4 stars; one submission).

Conditions:
Progressive sclerosing poliodystrophy (MTDPS4A). Also called: Mitochondrial DNA depletion syndrome 4A (Alpers type); ALPERS PROGRESSIVE INFANTILE POLIODYSTROPHY; NEURONAL DEGENERATION OF CHILDHOOD WITH LIVER DISEASE, PROGRESSIVE; Mitochondrial DNA Depletion Syndrome 4A; Alpers-Huttenlocher Syndrome (AHS); Alpers Syndrome. Identifiers: Orphanet 726, MedGen C0205710, MONDO:0008758, OMIM 203700.

Submission:

Labcorp Genetics (formerly Invitae), Labcorp
Classification: Uncertain significance for Progressive sclerosing poliodystrophy. Last evaluated: 2021-11-05. Review status: criteria provided, single submitter. Criteria: Invitae Variant Classification Sherloc (09022015). Collection method: clinical testing. Allele origin: germline.
Comment: In summary, the available evidence is currently insufficient to determine the role of this variant in disease. Therefore, it has been classified as a Variant of Uncertain Significance. Algorithms developed to predict the effect of sequence changes on RNA splicing suggest that this variant may create or strengthen a splice site. Algorithms developed to predict the effect of missense changes on protein structure and function (SIFT, PolyPhen-2, Align-GVGD) all suggest that this variant is likely to be tolerated. This variant has not been reported in the literature in individuals affected with POLG-related conditions. This variant is not present in population databases (gnomAD no frequency). This sequence change replaces leucine, which is neutral and non-polar, with valine, which is neutral and non-polar, at codon 580 of the POLG protein (p.Leu580Val).

NM_002693.3(POLG):c.1738C>G (p.Leu580Val)

Gene: POLG (DNA polymerase gamma, catalytic subunit; minus strand). Cytogenetic location: 15q26.1.
Variant type: single nucleotide variant.
Coding change: c.1738C>G on transcript NM_002693.3 (MANE Select); coding-DNA position 1738, C replaced by G.
Protein change: p.Leu580Val; replaces leucine 580 with valine.
Molecular consequence: missense variant.
Genome position (GRCh38, 1-based): chr15:89,325,661, G>C on the plus strand (C>G on the coding strand, the complement: POLG is on the minus strand). VCF-style: chr15-89325661-G-C. GRCh37 (hg19) VCF-style: chr15-89868892-G-C.
Other names: c.1738C>G, p.Leu580Val (NM_001126131.2); short protein forms L580V.
Identifiers: ClinVar variation 1391590 (VCV001391590.6), dbSNP rs2152065984, ClinGen allele CA393759465.